The following is an entry in ClinVar:

NM_005654.6(NR2F1):c.558C>T (p.Ser186=)

Gene: NR2F1 (nuclear receptor subfamily 2 group F member 1; plus strand). Cytogenetic location: 5q15.
Variant type: single nucleotide variant.
Coding change: c.558C>T on transcript NM_005654.6 (MANE Select); coding-DNA position 558, C replaced by T.
Protein change: p.Ser186=; no amino-acid change (serine 186 retained).
Molecular consequence: synonymous variant.
Genome position (GRCh38, 1-based): chr5:93,588,011, C>T. VCF-style: chr5-93588011-C-T. GRCh37 (hg19) VCF-style: chr5-92923717-C-T.
Identifiers: ClinVar variation 514665 (VCV000514665.6), dbSNP rs773102110, ClinGen allele CA3343160.

ClinVar aggregate classification (germline): Likely benign. Review status: criteria provided, multiple submitters, no conflicts (2 of 4 stars). 3 submissions from 3 submitters: Likely benign (3). Last evaluated 2024-08-31.

Allele frequency attached by ClinVar (database versions not stated): ExAC 0.00002; gnomAD exomes 0.00002; TOPMed 0.00002; gnomAD 0.00003.

Submissions (3):

Labcorp Genetics (formerly Invitae), Labcorp
Classification: Likely benign. Last evaluated: 2024-08-31. Review status: criteria provided, single submitter. Criteria: Invitae Variant Classification Sherloc (09022015). Collection method: clinical testing. Allele origin: germline.

Blueprint Genetics
Classification: Likely benign. Last evaluated: 2021-12-03. Review status: criteria provided, single submitter. Criteria: ACMG Guidelines, 2015. Collection method: clinical testing. Allele origin: germline.

GeneDx
Classification: Likely benign. Last evaluated: 2018-01-11. Review status: criteria provided, single submitter. Criteria: GeneDx Variant Classification (06012015). Collection method: clinical testing. Allele origin: germline. Affected: yes.
Comment: This variant is considered likely benign or benign based on one or more of the following criteria: it is a conservative change, it occurs at a poorly conserved position in the protein, it is predicted to be benign by multiple in silico algorithms, and/or has population frequency not consistent with disease.